The following is an entry in ClinVar:

NM_000292.3(PHKA2):c.79-18G>T

Gene: PHKA2 (phosphorylase kinase regulatory subunit alpha 2; minus strand). Cytogenetic location: Xp22.13.
Variant type: single nucleotide variant.
Coding change: c.79-18G>T on transcript NM_000292.3 (MANE Select); 18 bases into the intron before coding-DNA position 79, G replaced by T.
Molecular consequence: intron variant.
Genome position (GRCh38, 1-based): chrX:18,954,430, C>A on the plus strand (G>T on the coding strand, the complement: PHKA2 is on the minus strand). VCF-style: chrX-18954430-C-A. GRCh37 (hg19) VCF-style: chrX-18972548-C-A.
Identifiers: ClinVar variation 512569 (VCV000512569.1), dbSNP rs768277331, ClinGen allele CA10362186.

ClinVar aggregate classification (germline): Likely benign (1 of 4 stars; one submission).

Allele frequency attached by ClinVar (database versions not stated): gnomAD exomes 0.00002; ExAC 0.00004; gnomAD 0.00005; TOPMed 0.00008 and 0.00009.
gnomAD v4.1: 16 of 1,203,579 alleles (0.0013%); highest among the groups gnomAD compares: African/African-American, 0.016%; no homozygotes.

Submission:

GeneDx
Classification: Likely benign. Last evaluated: 2017-10-24. Review status: criteria provided, single submitter. Criteria: GeneDx Variant Classification (06012015). Collection method: clinical testing. Allele origin: germline. Affected: yes.
Comment: This variant is considered likely benign or benign based on one or more of the following criteria: it is a conservative change, it occurs at a poorly conserved position in the protein, it is predicted to be benign by multiple in silico algorithms, and/or has population frequency not consistent with disease.